The following is an entry in ClinVar:

NM_020975.6(RET):c.361G>A (p.Val121Ile)

Gene: RET (ret proto-oncogene; plus strand). Cytogenetic location: 10q11.21.
Variant type: single nucleotide variant.
Coding change: c.361G>A on transcript NM_020975.6 (MANE Select); coding-DNA position 361, G replaced by A.
Protein change: p.Val121Ile; replaces valine 121 with isoleucine.
Molecular consequence: missense variant.
Genome position (GRCh38, 1-based): chr10:43,102,365, G>A. VCF-style: chr10-43102365-G-A. GRCh37 (hg19) VCF-style: chr10-43597813-G-A.
Other names: c.361G>A, p.Val121Ile (NM_000323.2, NM_001406743.1, NM_001406744.1 and 16 more transcripts); c.361G>A (NM_020630.5); short protein forms V121I.
Identifiers: ClinVar variation 373412 (VCV000373412.20), dbSNP rs770548816, ClinGen allele CA043459.
Genomic context (GRCh38, chr10:43,102,365, plus strand): 5'-TGGCCGATGCCCCCACAGACCTGACTTCTCTCTGCAGACCGCGGCTTTCCCCTGCTCACC[G>A]TCTACCTCAAGGTCTTCCTGTCACCCACATCCCTTCGTGAGGGCGAGTGCCAGTGGCCAG-3'
Protein context (NP_066124.1, residues 111-131): VRNRGFPLLT[Val121Ile]YLKVFLSPTS

ClinVar aggregate classification (germline): Conflicting classifications of pathogenicity. Review status: criteria provided, conflicting classifications (1 of 4 stars). 9 submissions from 9 submitters: Uncertain significance (7); Likely benign (2). Last evaluated 2026-10-01.

Conditions:
Hereditary cancer-predisposing syndrome. Also called: Tumor predisposition; Neoplastic Syndromes, Hereditary; Hereditary neoplastic syndrome; Hereditary Cancer Syndrome. Identifiers: Orphanet 140162, MedGen C0027672, MeSH D009386, MONDO:0015356.
Multiple endocrine neoplasia type 2A. Also called: MULTIPLE ENDOCRINE NEOPLASIA, TYPE IIA; PTC SYNDROME; SIPPLE SYNDROME; MEN 2A; MEN-2A syndrome; Pheochromocytoma and amyloid producing medullary thyroid carcinoma. Identifiers: Orphanet 247698, Orphanet 653, MedGen C0025268, MeSH D018813, MONDO:0008234, OMIM 171400.
RET-related disorder. Also called: RET-related condition; RET-related disease; RET-related disorders.
Multiple endocrine neoplasia, type 2 (MEN2). Identifiers: Orphanet 653, MedGen C4048306, MONDO:0019003. Disease mechanism: gain of function.

Allele frequency attached by ClinVar (database versions not stated): gnomAD 0.00001; TOPMed 0.00001; ExAC 0.00002; gnomAD exomes 0.00002.
gnomAD v4.1: 29 of 1,614,028 alleles (0.0018%); highest among the groups gnomAD compares: African/African-American, 0.0053%; no homozygotes.

Submissions (9):

St. Jude Molecular Pathology, St. Jude Children's Research Hospital
Classification: Uncertain significance for Multiple endocrine neoplasia type 2A. Last evaluated: 2026-10-01. Review status: criteria provided, single submitter. Criteria: St. Jude Assertion Criteria 2020. Collection method: clinical testing. Allele origin: germline.
Comment: The RET c.361G>A p.(Val121Ile) missense change has a maximum subpopulation frequency of 0.008% in gnomAD v2.1.1. The i n silico tool REVEL predicts a benign effect on protein function, but to our knowledge this prediction has not been confirmed by functional studies. To our knowledge, this variant has not been reported in the literature in individuals with multiple endoc rine neoplasia type II. In summary, the evidence currently available is insufficient to determine the clinical significance of this variant. It has therefore been classified as of uncertain significance.

PreventionGenetics, part of Exact Sciences
Classification: Uncertain significance for RET-related condition. Last evaluated: 2026-07-22. Review status: criteria provided, single submitter. Criteria: ACMG Guidelines, 2015. Collection method: clinical testing. Allele origin: germline.
Comment: The RET c.361G>A variant is predicted to result in the amino acid substitution p.Val121Ile. To our knowledge, this variant has not been reported in the literature. It is reported in 0.0080% of alleles in individuals of African descent in gnomAD and has conflicting interpretations in ClinVar ranging from likely benign to uncertain (Variation ID: 373412). At this time, the clinical significance of this variant is uncertain due to the absence of conclusive functional and genetic evidence.

Labcorp Genetics (formerly Invitae), Labcorp
Classification: Uncertain significance for Multiple endocrine neoplasia, type 2. Last evaluated: 2026-01-06. Review status: criteria provided, single submitter. Criteria: Invitae Variant Classification Sherloc (09022015). Collection method: clinical testing. Allele origin: germline.
Comment: This sequence change replaces valine, which is neutral and non-polar, with isoleucine, which is neutral and non-polar, at codon 121 of the RET protein (p.Val121Ile). This variant is present in population databases (rs770548816, gnomAD 0.008%). This variant has not been reported in the literature in individuals affected with RET-related conditions. ClinVar contains an entry for this variant (Variation ID: 373412). An algorithm developed to predict the effect of missense changes on protein structure and function outputs the following: PolyPhen-2: "Benign". The isoleucine amino acid residue is found in multiple mammalian species, which suggests that this missense change does not adversely affect protein function. In summary, the available evidence is currently insufficient to determine the role of this variant in disease. Therefore, it has been classified as a Variant of Uncertain Significance.

Quest Diagnostics Nichols Institute San Juan Capistrano
Classification: Uncertain significance. Last evaluated: 2025-08-19. Review status: criteria provided, single submitter. Criteria: Quest Diagnostics criteria. Collection method: clinical testing. Allele origin: unknown.

Women's Health and Genetics/Laboratory Corporation of America, LabCorp
Classification: Uncertain significance. Last evaluated: 2025-04-21. Review status: criteria provided, single submitter. Criteria: LabCorp Variant Classification Summary - May 2015. Collection method: clinical testing. Allele origin: germline.
Comment: Variant summary: RET c.361G>A (p.Val121Ile) results in a conservative amino acid change in the encoded protein sequence. Four of four in-silico tools predict a benign effect of the variant on protein function. The variant allele was found at a frequency of 1.6e-05 in 251040 control chromosomes. The available data on variant occurrences in the general population are insufficient to allow any conclusion about variant significance. c.361G>A has been observed in at least one individual affected with an unspecified pediatric cancer without evidence for causality (e.g. Zhang_2015). This report does not provide unequivocal conclusions about association of the variant with Hirschsprung Disease. To our knowledge, no experimental evidence demonstrating an impact on protein function has been reported. The following publication has been ascertained in the context of this evaluation (PMID: 26580448). ClinVar contains an entry for this variant (Variation ID: 373412). Based on the evidence outlined above, the variant was classified as uncertain significance.

Color Diagnostics, LLC DBA Color Health
Classification: Uncertain significance for Multiple endocrine neoplasia, type 2. Last evaluated: 2024-04-25. Review status: criteria provided, single submitter. Criteria: ACMG Guidelines, 2015. Collection method: clinical testing. Allele origin: germline.
Comment: This missense variant replaces valine with isoleucine at codon 121 of the RET protein. Computational prediction suggests that this variant may not impact protein structure and function. To our knowledge, functional studies have not been reported for this variant. This variant has not been reported in individuals affected with RET-related disorders in the literature. This variant has been identified in 5/282434 chromosomes in the general population by the Genome Aggregation Database (gnomAD). The available evidence is insufficient to determine the role of this variant in disease conclusively. Therefore, this variant is classified as a Variant of Uncertain Significance.

Blueprint Genetics
Classification: Likely benign. Last evaluated: 2022-09-30. Review status: criteria provided, single submitter. Criteria: ACMG Guidelines, 2015. Collection method: clinical testing. Allele origin: germline.

Ambry Genetics
Classification: Likely benign for Hereditary cancer-predisposing syndrome. Last evaluated: 2018-09-28. Review status: criteria provided, single submitter. Criteria: Ambry Variant Classification Scheme 2023. Collection method: clinical testing. Allele origin: germline.

GeneDx
Classification: Uncertain significance. Last evaluated: 2016-11-14. Review status: criteria provided, single submitter. Criteria: GeneDx Variant Classification (06012015). Collection method: clinical testing. Allele origin: germline. Affected: yes.
Comment: The V121I variant in the RET gene has not been published as a pathogenic variant, nor has it been reported as a benign variant to our knowledge. This variant was not observed in approximately 6,500 individuals of European and African American ancestry in the NHLBI Exome Sequencing Project, indicating it is not a common benign variant in these populations. The V121I variant is a conservative amino acid substitution, which is not likely to impact secondary protein structure as these residues share similar properties. This substitution occurs at a position that is not conserved, and in silico analysis predicts this variant likely does not alter the protein structure/function. However, a missense variant in nearby residue (T120T) has been reported in the Human Gene Mutation Database in association with Hirschsprung disease (Stenson et al., 2014), supporting the functional importance of this region of the protein. Based on the currently available information, it is unclear whether V121I is a pathogenic variant or a rare benign variant. We consider it to be a variant of uncertain significance.

Literature cited by the submitters: PubMed 26580448 (cited by Women's Health and Genetics/Laboratory Corporation of America, LabCorp).